The following is an entry in ClinVar:

NM_004963.4(GUCY2C):c.1922C>A (p.Pro641Gln)

Gene: GUCY2C (guanylate cyclase 2C; minus strand). Cytogenetic location: 12p12.3.
Variant type: single nucleotide variant.
Coding change: c.1922C>A on transcript NM_004963.4 (MANE Select); coding-DNA position 1922, C replaced by A.
Protein change: p.Pro641Gln; replaces proline 641 with glutamine.
Molecular consequence: missense variant.
Genome position (GRCh38, 1-based): chr12:14,643,582, G>T on the plus strand (C>A on the coding strand, the complement: GUCY2C is on the minus strand). VCF-style: chr12-14643582-G-T. GRCh37 (hg19) VCF-style: chr12-14796516-G-T.
Other names: short protein forms P641Q.
Identifiers: ClinVar variation 2526767 (VCV002526767.4), dbSNP rs1421089544, ClinGen allele CA383985300.

ClinVar aggregate classification (germline): Uncertain significance. Review status: criteria provided, multiple submitters, no conflicts (2 of 4 stars). 2 submissions from 2 submitters: Uncertain significance (2). Last evaluated 2024-10-14.

Conditions:
Inborn genetic diseases. Identifiers: MedGen C0950123, MeSH D030342.

gnomAD v4.1: 1 of 1,608,900 alleles (0.000062%); highest among the groups gnomAD compares: Non-Finnish European, 0.000085%; no homozygotes.

Submissions (2):

Labcorp Genetics (formerly Invitae), Labcorp
Classification: Uncertain significance. Last evaluated: 2024-10-14. Review status: criteria provided, single submitter. Criteria: Invitae Variant Classification Sherloc (09022015). Collection method: clinical testing. Allele origin: germline.
Comment: This sequence change replaces proline, which is neutral and non-polar, with glutamine, which is neutral and polar, at codon 641 of the GUCY2C protein (p.Pro641Gln). This variant is present in population databases (no rsID available, gnomAD 0.0009%). This variant has not been reported in the literature in individuals affected with GUCY2C-related conditions. ClinVar contains an entry for this variant (Variation ID: 2526767). Invitae Evidence Modeling of protein sequence and biophysical properties (such as structural, functional, and spatial information, amino acid conservation, physicochemical variation, residue mobility, and thermodynamic stability) indicates that this missense variant is not expected to disrupt GUCY2C protein function with a negative predictive value of 80%. In summary, the available evidence is currently insufficient to determine the role of this variant in disease. Therefore, it has been classified as a Variant of Uncertain Significance.

Ambry Genetics
Classification: Uncertain significance for Inborn genetic diseases. Last evaluated: 2023-03-20. Review status: criteria provided, single submitter. Criteria: Ambry Variant Classification Scheme 2023. Collection method: clinical testing. Allele origin: germline.